The following is an entry in ClinVar:

NM_004448.4(ERBB2):c.3058G>T (p.Ala1020Ser)

Gene: ERBB2 (erb-b2 receptor tyrosine kinase 2; plus strand). Cytogenetic location: 17q12.
Variant type: single nucleotide variant.
Coding change: c.3058G>T on transcript NM_004448.4 (MANE Select); coding-DNA position 3058, G replaced by T.
Protein change: p.Ala1020Ser; replaces alanine 1020 with serine.
Molecular consequence: missense variant. On other transcripts: non-coding transcript variant (1), intron variant (1).
Genome position (GRCh38, 1-based): chr17:39,726,902, G>T. VCF-style: chr17-39726902-G-T. GRCh37 (hg19) VCF-style: chr17-37883155-G-T.
Other names: c.2968G>T, p.Ala990Ser (NM_001382782.1, NM_001382783.1, NM_001005862.3); c.3175G>T, p.Ala1059Ser (NM_001382784.1); c.3160G>T, p.Ala1054Ser (NM_001382785.1); c.3139G>T, p.Ala1047Ser (NM_001382786.1); c.3133G>T, p.Ala1045Ser (NM_001382787.1); c.3088G>T, p.Ala1030Ser (NM_001382788.1); c.3079G>T, p.Ala1027Ser (NM_001382789.1); c.3055G>T, p.Ala1019Ser (NM_001382790.1); and 15 more; short protein forms A1008S, A1020S, A674S, A744S, A1004S, A1006S, A1019S, A1027S.
Identifiers: ClinVar variation 2172958 (VCV002172958.4), dbSNP rs1458294024, ClinGen allele CA399309387.

ClinVar aggregate classification (germline): Uncertain significance (1 of 4 stars; one submission).

Allele frequency attached by ClinVar (database versions not stated): gnomAD 0.00001; gnomAD exomes 0.00001; TOPMed 0.00001.
gnomAD v4.1: 10 of 1,613,890 alleles (0.00062%); highest among the groups gnomAD compares: African/African-American, 0.0013%; no homozygotes.

Submission:

Labcorp Genetics (formerly Invitae), Labcorp
Classification: Uncertain significance. Last evaluated: 2022-02-08. Review status: criteria provided, single submitter. Criteria: Invitae Variant Classification Sherloc (09022015). Collection method: clinical testing. Allele origin: germline.
Comment: In summary, the available evidence is currently insufficient to determine the role of this variant in disease. Therefore, it has been classified as a Variant of Uncertain Significance. Algorithms developed to predict the effect of missense changes on protein structure and function (SIFT, PolyPhen-2, Align-GVGD) all suggest that this variant is likely to be tolerated. This variant has not been reported in the literature in individuals affected with ERBB2-related conditions. This variant is not present in population databases (gnomAD no frequency). This sequence change replaces alanine, which is neutral and non-polar, with serine, which is neutral and polar, at codon 1020 of the ERBB2 protein (p.Ala1020Ser).